The following is an entry in ClinVar:

ClinVar aggregate classification (germline): Likely benign (1 of 4 stars; one submission).

gnomAD v4.1: 11,177 of 1,556,484 alleles (0.72%); highest among the groups gnomAD compares: Non-Finnish European, 0.88%; 57 homozygotes.

Submission:

CeGaT Center for Human Genetics Tuebingen
Classification: Likely benign. Last evaluated: 2026-07-01. Review status: criteria provided, single submitter. Criteria: CeGaT Center For Human Genetics Tuebingen Variant Classification Criteria Version 2. Collection method: clinical testing. Allele origin: germline. Affected: yes. Observed: 6 variant alleles.
Comment: MTSS2: BP4, BS2

NM_138383.3(MTSS2):c.1110G>A (p.Glu370=)

Gene: MTSS2 (MTSS I-BAR domain containing 2; minus strand). Cytogenetic location: 16q22.1.
Variant type: single nucleotide variant.
Coding change: c.1110G>A on transcript NM_138383.3 (MANE Select); coding-DNA position 1110, G replaced by A.
Protein change: p.Glu370=; no amino-acid change (glutamic acid 370 retained).
Molecular consequence: synonymous variant.
Genome position (GRCh38, 1-based): chr16:70,665,484, C>T on the plus strand (G>A on the coding strand, the complement: MTSS2 is on the minus strand). VCF-style: chr16-70665484-C-T. GRCh37 (hg19) VCF-style: chr16-70699387-C-T.
Identifiers: ClinVar variation 3770529 (VCV003770529.13).